The following is an entry in ClinVar:

NC_000001.10:g.(?_19566354)_(19570529_?)del

Gene: EMC1 (ER membrane protein complex subunit 1; minus strand). Cytogenetic location: 1p36.13.
Variant type: Deletion.
Identifiers: ClinVar variation 2426047 (VCV002426047.4).

ClinVar aggregate classification (germline): Likely pathogenic (1 of 4 stars; one submission).

Submission:

Labcorp Genetics (formerly Invitae), Labcorp
Classification: Likely pathogenic. Last evaluated: 2022-03-29. Review status: criteria provided, single submitter. Criteria: Invitae Variant Classification Sherloc (09022015). Collection method: clinical testing. Allele origin: germline.
Comment: In summary, the currently available evidence indicates that the variant is pathogenic, but additional data are needed to prove that conclusively. Therefore, this variant has been classified as Likely Pathogenic. Experimental studies and prediction algorithms are not available or were not evaluated, and the functional significance of this variant is currently unknown. This variant has not been reported in the literature in individuals affected with EMC1-related conditions. This variant results in the deletion of exons 3-7 and part of exon 8 (c.221-20_912delinsTCA) of the EMC1 gene. It is expected to disrupt RNA splicing. Variants that disrupt the donor or acceptor splice site typically lead to a loss of protein function (PMID: 16199547), and loss-of-function variants in EMC1 are known to be pathogenic (PMID: 26572623, 26942288, 29271071).

Literature cited by the submitters: PubMed 16199547; PubMed 26572623; PubMed 26942288; PubMed 29271071.